The following is an entry in ClinVar:

ClinVar aggregate classification (germline): Uncertain significance (1 of 4 stars; one submission).

Conditions:
Hereditary cancer-predisposing syndrome. Also called: Neoplastic Syndromes, Hereditary; Tumor predisposition; Hereditary neoplastic syndrome; Hereditary Cancer Syndrome. Identifiers: Orphanet 140162, MedGen C0027672, MeSH D009386, MONDO:0015356.

Submission:

Ambry Genetics
Classification: Uncertain significance for Hereditary cancer-predisposing syndrome. Last evaluated: 2026-07-06. Review status: criteria provided, single submitter. Criteria: Ambry Variant Classification Scheme 2023. Collection method: clinical testing. Allele origin: germline.
Comment: The p.E1110Q variant (also known as c.3328G>C), located in coding exon 10 of the BRCA2 gene, results from a G to C substitution at nucleotide position 3328. The glutamic acid at codon 1110 is replaced by glutamine, an amino acid with highly similar properties. This amino acid position is conserved. In addition, the in silico prediction for this alteration is inconclusive. Based on the available evidence, the clinical significance of this variant remains unclear.

NM_000059.4(BRCA2):c.3328G>C (p.Glu1110Gln)

Gene: BRCA2 (BRCA2 DNA repair associated; plus strand). Cytogenetic location: 13q13.1.
Variant type: single nucleotide variant.
Coding change: c.3328G>C on transcript NM_000059.4 (MANE Select); coding-DNA position 3328, G replaced by C.
Protein change: p.Glu1110Gln; replaces glutamic acid 1110 with glutamine.
Molecular consequence: missense variant. On other transcripts: non-coding transcript variant (1), intron variant (2).
Genome position (GRCh38, 1-based): chr13:32,337,683, G>C. VCF-style: chr13-32337683-G-C. GRCh37 (hg19) VCF-style: chr13-32911820-G-C.
Other names: c.3328G>C, p.Glu1110Gln (NM_001406719.1, NM_001406720.1, NM_001432077.1); c.1909+4296G>C (NM_001406721.1); c.424+6653G>C (NM_001406722.1); short protein forms E1110Q.
Identifiers: ClinVar variation 5033275 (VCV005033275.1).